The following is an entry in ClinVar:

ClinVar aggregate classification (germline): Uncertain significance. Review status: reviewed by expert panel (3 of 4 stars). 3 submissions from 3 submitters: Uncertain significance (1). 2 of the submissions do not count toward it. Last evaluated 2024-05-09.

Conditions:
Monogenic diabetes. Identifiers: Orphanet 183625, MedGen C3888631, MONDO:0015967.
Maturity-onset diabetes of the young (MODY). Also called: Maturity onset diabetes mellitus in young. Identifiers: Orphanet 552, MedGen C0342276, MONDO:0018911, HP:0004904.
Maturity-onset diabetes of the young type 1. Also called: MODY type 1; Diabetes mellitus MODY type 1; MODY HNF4A related; HNF4A-Related Maturity-Onset Diabetes of the Young Type 1; MODY, type I; MILD JUVENILE DIABETES MELLITUS. Identifiers: Orphanet 552, MedGen C1852093, MONDO:0007452, OMIM 125850. Disease mechanism: loss of function.

Submissions (3):

ClinGen Monogenic Diabetes Variant Curation Expert Panel
Classification: Uncertain significance for Monogenic diabetes. Last evaluated: 2024-05-09. Review status: reviewed by expert panel. Criteria: ClinGen Diabetes ACMG Specifications HNF4A V2.0.0. Collection method: curation. Allele origin: germline. Inheritance: Autosomal dominant inheritance.
Comment: The c.640T>A variant in the hepatocyte nuclear factor 4-alpha gene, HNF4A, causes an amino acid change of serine to threonine at codon 214 (p.Ser214Thr)) of NM_175914.5. This variant is located within the ligand-binding domain (codons 180-220) of HNF4A, which is defined as critical for the protein's function by the ClinGen MDEP (PM1_Supporting). It is also predicted to be deleterious by computational evidence, with a REVEL score of 0.966, which is greater than the MDEP VCEP threshold of 0.70 (PP3). This variant is absent in gnomAD v2.1.1 (PM2_Supporting). A number of other missense variants at this codon (c.640T>G, p.Ser214Ala; c.641C>T, p.Ser214Phe; c.641C>A, p.Ser214Tyr) have been classified as VUS by the ClinGen MDEP; therefore, PM5 will not be applied. In summary, c.640T>A meets the criteria to be classified as a variant of uncertain significance for monogenic diabetes. ACMG/AMP criteria applied, as specified by the ClinGen MDEP (specification version 2.0.0, approved 10/11/2023): PP3, PM1_Supporting, PM2_Supporting.

Clinical Genomics, Uppaluri K&H Personalized Medicine Clinic
Classification: Likely risk allele for Maturity-onset diabetes of the young. Review status: criteria provided, single submitter. Criteria: K & H Uppaluri Personalized Medicine Clinic Variant Classification & Assertion Criteria_Updated V.1. Collection method: research. Allele origin: unknown. Inheritance: Autosomal dominant inheritance. Not counted in ClinVar's aggregate classification.
Comment: Potent mutations in HNF4A are associated with poor insulin secretion in response to hyperglycemia. Associated with MODY1. Patients initially respond well to sulfonylureas but eventually become insulin dependent. However, more evidence is required to ascertain the role of this particular variant rs1060499693 in MODY, yet.

Bioscientia Institut fuer Medizinische Diagnostik GmbH, Sonic Healthcare
Classification: Likely pathogenic for Maturity-onset diabetes of the young type 1. Review status: no assertion criteria provided. Collection method: clinical testing. Allele origin: germline. Affected: yes. Not counted in ClinVar's aggregate classification.

Literature cited by the submitters: PubMed 18268044 (cited by Clinical Genomics, Uppaluri K&H Personalized Medicine Clinic); PubMed 17563455 (cited by Clinical Genomics, Uppaluri K&H Personalized Medicine Clinic); PubMed 32583173 (cited by Clinical Genomics, Uppaluri K&H Personalized Medicine Clinic); PubMed 35052457 (cited by Clinical Genomics, Uppaluri K&H Personalized Medicine Clinic); PubMed 35118593 (cited by Clinical Genomics, Uppaluri K&H Personalized Medicine Clinic); DOI 10.1159/000334532 (cited by Clinical Genomics, Uppaluri K&H Personalized Medicine Clinic).

NM_175914.5(HNF4A):c.640T>A (p.Ser214Thr)

Gene: HNF4A (hepatocyte nuclear factor 4 alpha; plus strand). Cytogenetic location: 20q13.12.
Variant type: single nucleotide variant.
Coding change: c.640T>A on transcript NM_175914.5 (MANE Select); coding-DNA position 640, T replaced by A.
Protein change: p.Ser214Thr; replaces serine 214 with threonine.
Molecular consequence: missense variant.
Genome position (GRCh38, 1-based): chr20:44,418,482, T>A. VCF-style: chr20-44418482-T-A. GRCh37 (hg19) VCF-style: chr20-43047122-T-A.
Other names: NM_175914.5(HNF4A):c.640T>A; p.Ser214Thr; c.706T>A, p.Ser236Thr (NM_000457.6, NM_178849.3, NM_178850.3); c.640T>A, p.Ser214Thr (NM_001030003.3, NM_001030004.3); c.685T>A, p.Ser229Thr (NM_001258355.2); c.631T>A, p.Ser211Thr (NM_001287182.2, NM_001287183.2, NM_001287184.2); short protein forms S211T, S214T, S236T, S229T.
Identifiers: ClinVar variation 397578 (VCV000397578.4), dbSNP rs1060499693, ClinGen allele CA16609462.